The following is an entry in ClinVar:

ClinVar aggregate classification (germline): Uncertain significance (1 of 4 stars; one submission).

Allele frequency attached by ClinVar (database versions not stated): gnomAD exomes below 0.00001; TOPMed below 0.00001.
gnomAD v4.1: 2 of 1,611,532 alleles (0.00012%); highest among the groups gnomAD compares: Admixed American, 0.0033%; no homozygotes.

Submission:

Labcorp Genetics (formerly Invitae), Labcorp
Classification: Uncertain significance. Last evaluated: 2025-04-28. Review status: criteria provided, single submitter. Criteria: Invitae Variant Classification Sherloc (09022015). Collection method: clinical testing. Allele origin: germline.
Comment: This sequence change replaces lysine, which is basic and polar, with arginine, which is basic and polar, at codon 3420 of the ASPM protein (p.Lys3420Arg). This variant is present in population databases (no rsID available, gnomAD 0.006%). This variant has not been reported in the literature in individuals affected with ASPM-related conditions. ClinVar contains an entry for this variant (Variation ID: 2428264). An algorithm developed to predict the effect of missense changes on protein structure and function outputs the following: PolyPhen-2: "Benign". The arginine amino acid residue is found in multiple mammalian species, which suggests that this missense change does not adversely affect protein function. In summary, the available evidence is currently insufficient to determine the role of this variant in disease. Therefore, it has been classified as a Variant of Uncertain Significance.

NM_018136.5(ASPM):c.10259A>G (p.Lys3420Arg)

Gene: ASPM (assembly factor for spindle microtubules; minus strand). Cytogenetic location: 1q31.3.
Variant type: single nucleotide variant.
Coding change: c.10259A>G on transcript NM_018136.5 (MANE Select); coding-DNA position 10259, A replaced by G.
Protein change: p.Lys3420Arg; replaces lysine 3420 with arginine.
Molecular consequence: missense variant.
Genome position (GRCh38, 1-based): chr1:197,086,875, T>C on the plus strand (A>G on the coding strand, the complement: ASPM is on the minus strand). VCF-style: chr1-197086875-T-C. GRCh37 (hg19) VCF-style: chr1-197056005-T-C.
Other names: c.5504A>G, p.Lys1835Arg (NM_001206846.2); short protein forms K1835R, K3420R.
Identifiers: ClinVar variation 2428264 (VCV002428264.3), dbSNP rs1383055393, ClinGen allele CA343995579.
Genomic context (GRCh38, chr1:197,086,875, plus strand): 5'-CTGGTCCTTACAGGTGTTTCTGGGATAAAAGGAATGCTTATAGAAGAATTCTTCTTTTGC[T>C]TGTAAAGTATTCTTTCAGTATTCATTTTATGTTTATGAGCTGTAAGTTTGTAGAGACTGT-3'
Protein context (NP_060606.3, residues 3410-3430): HKMNTERILY[Lys3420Arg]QKKNSSISIP